The following is an entry in ClinVar:

ClinVar aggregate classification (germline): Uncertain significance. Review status: criteria provided, single submitter (1 of 4 stars). 2 submissions from 2 submitters: Uncertain significance (1). 1 of the submissions does not count toward it. Last evaluated 2025-03-28.

Conditions:
Inborn genetic diseases. Identifiers: MedGen C0950123, MeSH D030342.
ACTN1-related disorder. Also called: ACTN1-related condition.

gnomAD v4.1: 1 of 1,614,154 alleles (0.000062%); highest among the groups gnomAD compares: Non-Finnish European, 0.000085%; no homozygotes.

Submissions (2):

Ambry Genetics
Classification: Uncertain significance for Inborn genetic diseases. Last evaluated: 2025-03-28. Review status: criteria provided, single submitter. Criteria: Ambry Variant Classification Scheme 2023. Collection method: clinical testing. Allele origin: germline.

PreventionGenetics, part of Exact Sciences
Classification: Uncertain significance for ACTN1-related condition. Last evaluated: 2024-05-08. Review status: no assertion criteria provided. Collection method: clinical testing. Allele origin: germline. Not counted in ClinVar's aggregate classification.
Comment: The ACTN1 c.1145T>G variant is predicted to result in the amino acid substitution p.Leu382Trp. To our knowledge, this variant has not been reported in the literature or in a large population database, indicating this variant is rare. At this time, the clinical significance of this variant is uncertain due to the absence of conclusive functional and genetic evidence.

NM_001130004.2(ACTN1):c.1145T>G (p.Leu382Trp)

Gene: ACTN1 (actinin alpha 1; minus strand). Cytogenetic location: 14q24.1.
Variant type: single nucleotide variant.
Coding change: c.1145T>G on transcript NM_001130004.2 (MANE Select); coding-DNA position 1145, T replaced by G.
Protein change: p.Leu382Trp; replaces leucine 382 with tryptophan.
Molecular consequence: missense variant.
Genome position (GRCh38, 1-based): chr14:68,890,228, A>C on the plus strand (T>G on the coding strand, the complement: ACTN1 is on the minus strand). VCF-style: chr14-68890228-A-C. GRCh37 (hg19) VCF-style: chr14-69356945-A-C.
Other names: c.1145T>G, p.Leu382Trp (NM_001102.4, NM_001130005.2, NM_001411035.1 and 9 more transcripts); c.950T>G, p.Leu317Trp (NM_001411036.1, NM_001424026.1, NM_001424028.1); c.1271T>G, p.Leu424Trp (NM_001424013.1); c.1232T>G, p.Leu411Trp (NM_001424015.1); c.1142T>G, p.Leu381Trp (NM_001424017.1); c.1082T>G, p.Leu361Trp (NM_001424018.1, NM_001424020.1, NM_001424022.1); c.1076T>G, p.Leu359Trp (NM_001424021.1); c.320T>G, p.Leu107Trp (NM_001424030.1); short protein forms L411W, L424W, L107W, L317W, L359W, L361W, L381W, L382W.
Identifiers: ClinVar variation 3355521 (VCV003355521.2).
Genomic context (GRCh38, chr14:68,890,228, plus strand): 5'-TTCTGCCGGAACTTCTCTGCCAGGTGGTCCAGTCGCTCCAGCCTCCGGATCTCATTCAGC[A>C]ACCACTCCTCATAGCCCTTCTCCACCTGCTCCAGGCAGCCCCAGGCATTGTTGATGTCCT-3'
Protein context (NP_001123476.1, residues 372-392): EQVEKGYEEW[Leu382Trp]LNEIRRLERL